The following is an entry in ClinVar:

ClinVar aggregate classification (germline): Uncertain significance (1 of 4 stars; one submission).

Conditions:
Myofibrillar myopathy 4. Also called: Zaspopathy (type). Identifiers: Orphanet 98912, MedGen C4721886, MONDO:0012277, OMIM 609452.

gnomAD v4.1: 2 of 1,613,394 alleles (0.00012%); highest among the groups gnomAD compares: Middle Eastern, 0.016%; no homozygotes.

Submission:

Labcorp Genetics (formerly Invitae), Labcorp
Classification: Uncertain significance for Myofibrillar myopathy 4. Last evaluated: 2023-04-05. Review status: criteria provided, single submitter. Criteria: Invitae Variant Classification Sherloc (09022015). Collection method: clinical testing. Allele origin: germline.
Comment: This variant has not been reported in the literature in individuals affected with LDB3-related conditions. An algorithm developed to predict the effect of missense changes on protein structure and function (PolyPhen-2) suggests that this variant is likely to be disruptive. This sequence change replaces glycine, which is neutral and non-polar, with tryptophan, which is neutral and slightly polar, at codon 11 of the LDB3 protein (p.Gly11Trp). This variant is not present in population databases (gnomAD no frequency). In summary, the available evidence is currently insufficient to determine the role of this variant in disease. Therefore, it has been classified as a Variant of Uncertain Significance.

NM_007078.3(LDB3):c.31G>T (p.Gly11Trp)

Gene: LDB3 (LIM domain binding 3; plus strand). Cytogenetic location: 10q23.2.
Variant type: single nucleotide variant.
Coding change: c.31G>T on transcript NM_007078.3 (MANE Select); coding-DNA position 31, G replaced by T.
Protein change: p.Gly11Trp; replaces glycine 11 with tryptophan.
Molecular consequence: missense variant.
Genome position (GRCh38, 1-based): chr10:86,668,722, G>T. VCF-style: chr10-86668722-G-T. GRCh37 (hg19) VCF-style: chr10-88428479-G-T.
Other names: c.31G>T, p.Gly11Trp (NM_001080114.2, NM_001080115.2, NM_001080116.1 and 8 more transcripts); short protein forms G11W.
Identifiers: ClinVar variation 2800891 (VCV002800891.3), dbSNP rs370493508, ClinGen allele CA377448717.
Genomic context (GRCh38, chr10:86,668,722, plus strand): 5'-TCTGCAGAGGCGGCCGCTGACAGCACCAGCATGTCTTACAGTGTGACCCTGACTGGGCCC[G>T]GGCCCTGGGGCTTCCGTCTGCAGGGGGGCAAGGACTTCAACATGCCCCTCACTATCTCCC-3'
Protein context (NP_009009.1, residues 1-21): MSYSVTLTGP[Gly11Trp]PWGFRLQGGK